The following is an entry in ClinVar:

ClinVar aggregate classification (germline): Uncertain significance. Review status: criteria provided, multiple submitters, no conflicts (2 of 4 stars). 4 submissions from 4 submitters: Uncertain significance (3). 1 of the submissions does not count toward it. Last evaluated 2025-10-17.

Conditions:
Neuropathy, hereditary sensory and autonomic, type 2A (HSAN2A). Also called: ACROOSTEOLYSIS, GIACCAI TYPE; ACROOSTEOLYSIS, NEUROGENIC; MORVAN DISEASE; NEUROPATHY, CONGENITAL SENSORY; NEUROPATHY, HEREDITARY SENSORY RADICULAR, AUTOSOMAL RECESSIVE; NEUROPATHY, HEREDITARY SENSORY, TYPE IIA. Identifiers: Orphanet 970, MedGen C2752089, MONDO:0024309, OMIM 201300.
Generalized epilepsy with febrile seizures plus, type 7 (GEFSP7). Also called: GEFS+, TYPE 7. Identifiers: Orphanet 36387, MedGen C2751778, MONDO:0013470, OMIM 613863.
Inborn genetic diseases. Identifiers: MedGen C0950123, MeSH D030342.

Allele frequency attached by ClinVar (database versions not stated): gnomAD 0.00001; TOPMed 0.00003; gnomAD exomes 0.00006 and 0.00008; ExAC 0.00007.
gnomAD v4.1: 86 of 1,613,904 alleles (0.0053%); highest among the groups gnomAD compares: Middle Eastern, 0.033%; no homozygotes.

Submissions (4):

Labcorp Genetics (formerly Invitae), Labcorp
Classification: Uncertain significance for Neuropathy, hereditary sensory and autonomic, type 2A; Generalized epilepsy with febrile seizures plus, type 7. Last evaluated: 2025-10-17. Review status: criteria provided, single submitter. Criteria: Invitae Variant Classification Sherloc (09022015). Collection method: clinical testing. Allele origin: germline.
Comment: This sequence change replaces serine, which is neutral and polar, with glycine, which is neutral and non-polar, at codon 576 of the SCN9A protein (p.Ser576Gly). This variant is present in population databases (rs202090277, gnomAD 0.01%). This variant has not been reported in the literature in individuals affected with SCN9A-related conditions. ClinVar contains an entry for this variant (Variation ID: 538451). Invitae Evidence Modeling of protein sequence and biophysical properties (such as structural, functional, and spatial information, amino acid conservation, physicochemical variation, residue mobility, and thermodynamic stability) indicates that this missense variant is not expected to disrupt SCN9A protein function with a negative predictive value of 95%. In summary, the available evidence is currently insufficient to determine the role of this variant in disease. Therefore, it has been classified as a Variant of Uncertain Significance.

Ambry Genetics
Classification: Uncertain significance for Inborn genetic diseases. Last evaluated: 2024-01-09. Review status: criteria provided, single submitter. Criteria: Ambry Variant Classification Scheme 2023. Collection method: clinical testing. Allele origin: germline.

GeneDx
Classification: Uncertain significance. Last evaluated: 2020-01-27. Review status: criteria provided, single submitter. Criteria: GeneDx Variant Classification Process June 2021. Collection method: clinical testing. Allele origin: germline. Affected: yes.
Comment: In silico analysis supports that this missense variant has a deleterious effect on protein structure/function; Has not been previously published as pathogenic or benign to our knowledge; Located in cytoplasmic loop between first and second homologous domain

Genetics and Genomic Medicine Centre, NeuroGen Healthcare, NeuroGen Healthcare
Classification: Uncertain significance. Last evaluated: 2022-03-23. Review status: no assertion criteria provided. Collection method: clinical testing. Allele origin: unknown. Affected: yes. Not counted in ClinVar's aggregate classification.

NM_001365536.1(SCN9A):c.1726A>G (p.Ser576Gly)

Genes: SCN9A (sodium voltage-gated channel alpha subunit 9; minus strand), SCN1A-AS1 (SCN1A and SCN9A antisense RNA 1; plus strand). Cytogenetic location: 2q24.3.
Variant type: single nucleotide variant.
Coding change: c.1726A>G on transcript NM_001365536.1 (MANE Select); coding-DNA position 1726, A replaced by G.
Protein change: p.Ser576Gly; replaces serine 576 with glycine.
Molecular consequence: missense variant.
Genome position (GRCh38, 1-based): chr2:166,284,701, T>C on the plus strand (A>G on the coding strand, the complement: SCN9A is on the minus strand). VCF-style: chr2-166284701-T-C. GRCh37 (hg19) VCF-style: chr2-167141211-T-C.
Other names: c.1726A>G, p.Ser576Gly (NM_002977.4); short protein forms S576G.
Identifiers: ClinVar variation 538451 (VCV000538451.14), dbSNP rs202090277, ClinGen allele CA1944441.
Genomic context (GRCh38, chr2:166,284,701, plus strand): 5'-CCTGGGGTCTGTGGGGCACAAACAGTGAGCCCCTTCTGCTCTCATTGTCTCCAAAAATGC[T>C]GTGCTCATCATCGGCAAATTCAGTCTCAGATCCTATATCTCTTCCTCTGCCTTTGAAACT-3'
Protein context (NP_001352465.1, residues 566-586): SETEFADDEH[Ser576Gly]IFGDNESRRG